The following is an entry in ClinVar:

NM_139027.6(ADAMTS13):c.1290C>T (p.Ala430=)

Gene: ADAMTS13 (ADAM metallopeptidase with thrombospondin type 1 motif 13; plus strand). Cytogenetic location: 9q34.2.
Variant type: single nucleotide variant.
Coding change: c.1290C>T on transcript NM_139027.6 (MANE Select); coding-DNA position 1290, C replaced by T.
Protein change: p.Ala430=; no amino-acid change (alanine 430 retained).
Molecular consequence: synonymous variant.
Genome position (GRCh38, 1-based): chr9:133,433,686, C>T. VCF-style: chr9-133433686-C-T. GRCh37 (hg19) VCF-style: chr9-136298806-C-T.
Other names: p.Ala430=; c.1290C>T, p.Ala430= (NM_139025.5); c.1197C>T, p.Ala399= (NM_139026.6).
Identifiers: ClinVar variation 741409 (VCV000741409.8), dbSNP rs138401488, ClinGen allele CA200927246.

ClinVar aggregate classification (germline): Likely benign. Review status: criteria provided, multiple submitters, no conflicts (2 of 4 stars). 3 submissions from 3 submitters: Likely benign (3). Last evaluated 2025-12-15.

Conditions:
Upshaw-Schulman syndrome (TTP). Also called: Congenital thrombotic thrombocytopenic purpura; THROMBOTIC THROMBOCYTOPENIC PURPURA, HEREDITARY. Identifiers: Orphanet 93583, MedGen C1268935, MONDO:0010122, OMIM 274150.

Allele frequency attached by ClinVar (database versions not stated): gnomAD exomes 0.00013; ExAC 0.00017; gnomAD 0.00043; TOPMed 0.00043; ESP Exome Variant Server 0.00046; 1000 Genomes Project 30x 0.00078; 1000 Genomes Project 0.00080.
gnomAD v4.1: 129 of 1,613,604 alleles (0.008%); highest among the groups gnomAD compares: African/African-American, 0.16%; 1 homozygote.

Submissions (3):

Labcorp Genetics (formerly Invitae), Labcorp
Classification: Likely benign. Last evaluated: 2025-12-15. Review status: criteria provided, single submitter. Criteria: Invitae Variant Classification Sherloc (09022015). Collection method: clinical testing. Allele origin: germline.

Mayo Clinic Laboratories, Mayo Clinic
Classification: Likely benign. Last evaluated: 2025-09-20. Review status: criteria provided, single submitter. Criteria: ACMG Guidelines, 2015. Collection method: clinical testing. Allele origin: germline. Observed: 2 variant alleles.
Comment: BS1, BP4, BP7

Fulgent Genetics
Classification: Likely benign for Upshaw-Schulman syndrome. Last evaluated: 2021-07-21. Review status: criteria provided, single submitter. Criteria: ACMG Guidelines, 2015. Collection method: clinical testing. Allele origin: unknown.